The following is an entry in ClinVar:

NM_020366.4(RPGRIP1):c.953C>G (p.Ala318Gly)

Gene: RPGRIP1 (RPGR interacting protein 1; plus strand). Cytogenetic location: 14q11.2.
Variant type: single nucleotide variant.
Coding change: c.953C>G on transcript NM_020366.4 (MANE Select); coding-DNA position 953, C replaced by G.
Protein change: p.Ala318Gly; replaces alanine 318 with glycine.
Molecular consequence: missense variant.
Genome position (GRCh38, 1-based): chr14:21,311,846, C>G. VCF-style: chr14-21311846-C-G. GRCh37 (hg19) VCF-style: chr14-21780005-C-G.
Other names: short protein forms A318G.
Identifiers: ClinVar variation 1805517 (VCV001805517.1), dbSNP rs1325466987, ClinGen allele CA388862169.

ClinVar aggregate classification (germline): Uncertain significance (1 of 4 stars; one submission).

Conditions:
Cone-rod dystrophy 13 (CORD13). Identifiers: Orphanet 1872, MedGen C2750720, MONDO:0011987, OMIM 608194.

Submission:

Victorian Clinical Genetics Services, Murdoch Childrens Research Institute
Classification: Uncertain significance for Cone-rod dystrophy 13. Last evaluated: 2019-08-28. Review status: criteria provided, single submitter. Criteria: ACMG Guidelines, 2015. Collection method: clinical testing. Allele origin: germline. Inheritance: Autosomal recessive inheritance. Affected: yes.
Comment: A heterozygous missense variant was identified, NM_020366.3(RPGRIP1):c.953C>G in exon 8 of 24 of the RPGRIP1 gene. This substitution is predicted to create a minor amino acid change from alanine to glycine at position 318 of the protein, NP_065099.3(RPGRIP1):p.(Ala318Gly). The alanine at this position has low conservation (100 vertebrates, UCSC), and is located within the SMC_prok_B domain and a coiled_coil motif. In silico software predictions of the pathogenicity of this variant are conflicting (Polyphen, SIFT, CADD, Mutation Taster). The variant is not present in the gnomAD population database. Two alternative residue changes at the same location to a serine and a valine have been reported in the gnomAD database at a frequency of 0.0008% and 0.001%, respectively. The variant has not been previously reported in clinical cases. A different variant in the same codon resulting in a change to valine has been reported in a patient with primary open-angle glaucoma without clear evidence for pathogenicity described (Fernández-Martínez, L. et al. (2011)). Based on information available at the time of curation, this variant has been classified as a VARIANT of UNCERTAIN SIGNIFICANCE (VUS) with LOW CLINICAL RELEVANCE.